The following is an entry in ClinVar:

ClinVar aggregate classification (germline): Pathogenic (1 of 4 stars; one submission).

Conditions:
Autosomal recessive limb-girdle muscular dystrophy type 2E (LGMDR4). Also called: MUSCULAR DYSTROPHY, LIMB-GIRDLE, AUTOSOMAL RECESSIVE 4. Identifiers: Orphanet 119, MedGen C1858593, MONDO:0011423, OMIM 604286. Disease mechanism: Affects gamma-sarcoglycan and also disrupts the integrity of the entire sarcoglycan complex..

Submission:

Labcorp Genetics (formerly Invitae), Labcorp
Classification: Pathogenic for Autosomal recessive limb-girdle muscular dystrophy type 2E. Last evaluated: 2023-10-20. Review status: criteria provided, single submitter. Criteria: Invitae Variant Classification Sherloc (09022015). Collection method: clinical testing. Allele origin: unknown.
Comment: This variant is a gross deletion of the genomic region encompassing exon(s) 4 of the SGCB gene. This variant would be expected to be in-frame, preserving the integrity of the reading frame. This variant has not been reported in the literature in individuals affected with SGCB-related conditions. This variant disrupts a region of the SGCB protein in which other variant(s) (p.Tyr184Cys) have been determined to be pathogenic (PMID: 10660328, 30764848; Invitae). This suggests that this is a clinically significant region of the protein, and that variants that disrupt it are likely to be disease-causing. For these reasons, this variant has been classified as Pathogenic.

Literature cited by the submitters: PubMed 10660328; PubMed 30764848.

NC_000004.11:g.(?_52894876)_(52895107_?)del

Gene: SGCB (sarcoglycan beta; minus strand). Cytogenetic location: 4q12.
Variant type: Deletion.
Identifiers: ClinVar variation 3246667 (VCV003246667.1).